The following is an entry in ClinVar:

ClinVar aggregate classification (germline): Uncertain significance. Review status: criteria provided, single submitter (1 of 4 stars). 2 submissions from 2 submitters: Uncertain significance (1). 1 of the submissions does not count toward it. Last evaluated 2026-01-17.

Conditions:
Menkes kinky-hair syndrome (MNK). Also called: Copper transport disease; Classic Menkes Disease; Menkes Disease. Identifiers: Orphanet 565, MedGen C0022716, MONDO:0010651, OMIM 309400.
Cutis laxa, X-linked (OHS). Also called: EDS IX; Occipital horn syndrome. Identifiers: Orphanet 198, MedGen C0268353, MONDO:0010572, OMIM 304150.
X-linked distal spinal muscular atrophy type 3. Also called: SPINAL MUSCULAR ATROPHY, DISTAL, X-LINKED RECESSIVE; ATP7A-Related Distal Motor Neuropathy; NEURONOPATHY, DISTAL HEREDITARY MOTOR, X-LINKED; NEUROPATHY, DISTAL HEREDITARY MOTOR, X-LINKED. Identifiers: Orphanet 139557, MedGen C1845359, MONDO:0010338, OMIM 300489.

Submissions (2):

Labcorp Genetics (formerly Invitae), Labcorp
Classification: Uncertain significance for X-linked distal spinal muscular atrophy type 3; Cutis laxa, X-linked; Menkes kinky-hair syndrome. Last evaluated: 2026-01-17. Review status: criteria provided, single submitter. Criteria: Invitae Variant Classification Sherloc (09022015). Collection method: clinical testing. Allele origin: germline.
Comment: This sequence change replaces alanine, which is neutral and non-polar, with threonine, which is neutral and polar, at codon 604 of the ATP7A protein (p.Ala604Thr). This variant is not present in population databases (gnomAD no frequency). This variant has not been reported in the literature in individuals affected with ATP7A-related conditions. ClinVar contains an entry for this variant (Variation ID: 1062963). Invitae Evidence Modeling of protein sequence and biophysical properties (such as structural, functional, and spatial information, amino acid conservation, physicochemical variation, residue mobility, and thermodynamic stability) indicates that this missense variant is not expected to disrupt ATP7A protein function with a negative predictive value of 95%. In summary, the available evidence is currently insufficient to determine the role of this variant in disease. Therefore, it has been classified as a Variant of Uncertain Significance.

Natera, Inc.
Classification: Uncertain significance for Menkes kinky hair syndrome. Last evaluated: 2020-01-24. Review status: no assertion criteria provided. Collection method: clinical testing. Allele origin: germline. Not counted in ClinVar's aggregate classification.

NM_000052.7(ATP7A):c.1810G>A (p.Ala604Thr)

Gene: ATP7A (ATPase copper transporting alpha; plus strand). Cytogenetic location: Xq21.1.
Variant type: single nucleotide variant.
Coding change: c.1810G>A on transcript NM_000052.7 (MANE Select); coding-DNA position 1810, G replaced by A.
Protein change: p.Ala604Thr; replaces alanine 604 with threonine.
Molecular consequence: missense variant.
Genome position (GRCh38, 1-based): chrX:78,009,204, G>A. VCF-style: chrX-78009204-G-A. GRCh37 (hg19) VCF-style: chrX-77264701-G-A.
Other names: c.1810G>A, p.Ala604Thr (NM_001282224.2); short protein forms A604T.
Identifiers: ClinVar variation 1062963 (VCV001062963.10), dbSNP rs2149093552, ClinGen allele CA413597273.